The following is an entry in ClinVar:

NM_015559.3(SETBP1):c.1546A>G (p.Arg516Gly)

Gene: SETBP1 (SET binding protein 1; plus strand). Cytogenetic location: 18q12.3.
Variant type: single nucleotide variant.
Coding change: c.1546A>G on transcript NM_015559.3 (MANE Select); coding-DNA position 1546, A replaced by G.
Protein change: p.Arg516Gly; replaces arginine 516 with glycine.
Molecular consequence: missense variant.
Genome position (GRCh38, 1-based): chr18:44,950,886, A>G. VCF-style: chr18-44950886-A-G. GRCh37 (hg19) VCF-style: chr18-42530851-A-G.
Other names: c.1546A>G, p.Arg516Gly (NM_001379141.1, NM_001379142.1, NM_001410862.1); short protein forms R516G.
Identifiers: ClinVar variation 1992755 (VCV001992755.4), dbSNP rs2511468177, ClinGen allele CA402318748.

ClinVar aggregate classification (germline): Uncertain significance (1 of 4 stars; one submission).

Submission:

Labcorp Genetics (formerly Invitae), Labcorp
Classification: Uncertain significance. Last evaluated: 2022-05-10. Review status: criteria provided, single submitter. Criteria: Invitae Variant Classification Sherloc (09022015). Collection method: clinical testing. Allele origin: germline.
Comment: This sequence change replaces arginine, which is basic and polar, with glycine, which is neutral and non-polar, at codon 516 of the SETBP1 protein (p.Arg516Gly). This variant is not present in population databases (gnomAD no frequency). This variant has not been reported in the literature in individuals affected with SETBP1-related conditions. Algorithms developed to predict the effect of missense changes on protein structure and function output the following: SIFT: "Tolerated"; PolyPhen-2: "Benign"; Align-GVGD: "Class C0". The glycine amino acid residue is found in multiple mammalian species, which suggests that this missense change does not adversely affect protein function. In summary, the available evidence is currently insufficient to determine the role of this variant in disease. Therefore, it has been classified as a Variant of Uncertain Significance.